The following is an entry in ClinVar:

NM_001458.5(FLNC):c.592T>C (p.Cys198Arg)

Gene: FLNC (filamin C; plus strand). Cytogenetic location: 7q32.1.
Variant type: single nucleotide variant.
Coding change: c.592T>C on transcript NM_001458.5 (MANE Select); coding-DNA position 592, T replaced by C.
Protein change: p.Cys198Arg; replaces cysteine 198 with arginine.
Molecular consequence: missense variant.
Genome position (GRCh38, 1-based): chr7:128,835,565, T>C. VCF-style: chr7-128835565-T-C. GRCh37 (hg19) VCF-style: chr7-128475619-T-C.
Other names: c.592T>C, p.Cys198Arg (NM_001127487.2); short protein forms C198R.
Identifiers: ClinVar variation 3755203 (VCV003755203.2).

ClinVar aggregate classification (germline): Uncertain significance (1 of 4 stars; one submission).

Conditions:
Distal myopathy with posterior leg and anterior hand involvement. Also called: WILLIAMS DISTAL MYOPATHY. Identifiers: Orphanet 63273, MedGen C3279722, MONDO:0013550, OMIM 614065.
Hypertrophic cardiomyopathy 26. Also called: Cardiomyopathy, familial hypertrophic, 26. Identifiers: Orphanet 75249, MedGen C4310749, MONDO:0014883, OMIM 617047.
Myofibrillar myopathy 5. Also called: Filaminopathy (type); FILAMINOPATHY, AUTOSOMAL DOMINANT. Identifiers: Orphanet 171445, MedGen C1836050, MONDO:0012289, OMIM 609524.

Submission:

Labcorp Genetics (formerly Invitae), Labcorp
Classification: Uncertain significance for Distal myopathy with posterior leg and anterior hand involvement; Myofibrillar myopathy 5; Hypertrophic cardiomyopathy 26. Last evaluated: 2024-03-09. Review status: criteria provided, single submitter. Criteria: Invitae Variant Classification Sherloc (09022015). Collection method: clinical testing. Allele origin: germline.
Comment: This sequence change replaces cysteine, which is neutral and slightly polar, with arginine, which is basic and polar, at codon 198 of the FLNC protein (p.Cys198Arg). This variant is not present in population databases (gnomAD no frequency). This variant has not been reported in the literature in individuals affected with FLNC-related conditions. Advanced modeling of protein sequence and biophysical properties (such as structural, functional, and spatial information, amino acid conservation, physicochemical variation, residue mobility, and thermodynamic stability) has been performed at Invitae for this missense variant, however the output from this modeling did not meet the statistical confidence thresholds required to predict the impact of this variant on FLNC protein function. In summary, the available evidence is currently insufficient to determine the role of this variant in disease. Therefore, it has been classified as a Variant of Uncertain Significance.